The following is an entry in ClinVar:

NM_001035.3(RYR2):c.7418A>G (p.Asp2473Gly)

Gene: RYR2 (ryanodine receptor 2; plus strand). Cytogenetic location: 1q43.
Variant type: single nucleotide variant.
Coding change: c.7418A>G on transcript NM_001035.3 (MANE Select); coding-DNA position 7418, A replaced by G.
Protein change: p.Asp2473Gly; replaces aspartic acid 2473 with glycine.
Molecular consequence: missense variant.
Genome position (GRCh38, 1-based): chr1:237,648,519, A>G. VCF-style: chr1-237648519-A-G. GRCh37 (hg19) VCF-style: chr1-237811819-A-G.
Other names: c.7418A>G (NM_001035.2); short protein forms D2473G.
Identifiers: ClinVar variation 3581693 (VCV003581693.2).

ClinVar aggregate classification (germline): Uncertain significance. Review status: criteria provided, multiple submitters, no conflicts (2 of 4 stars). 2 submissions from 2 submitters: Uncertain significance (2). Last evaluated 2025-02-20.

Conditions:
Catecholaminergic polymorphic ventricular tachycardia 1. Also called: VENTRICULAR TACHYCARDIA, CATECHOLAMINERGIC POLYMORPHIC, 1, WITH OR WITHOUT ATRIAL DYSFUNCTION AND/OR DILATED CARDIOMYOPATHY; RYR2-Related Catecholaminergic Polymorphic Ventricular Tachycardia; VENTRICULAR TACHYCARDIA, STRESS-INDUCED POLYMORPHIC 1. Identifiers: Orphanet 3286, MedGen C1631597, MONDO:0011484, OMIM 604772.
Ventricular arrhythmias due to cardiac ryanodine receptor calcium release deficiency syndrome. Also called: Autosomal dominant cardiac arrhythmia (Kuhn). Identifiers: MedGen C5542154, MONDO:0020745, OMIM 115000.

Submissions (2):

GeneDx
Classification: Uncertain significance. Last evaluated: 2025-02-20. Review status: criteria provided, single submitter. Criteria: GeneDx Variant Classification Process June 2021. Collection method: clinical testing. Allele origin: germline. Affected: yes.
Comment: Not observed at significant frequency in large population cohorts (gnomAD); In silico analysis supports that this missense variant has a deleterious effect on protein structure/function; Has not been previously published as pathogenic or benign to our knowledge; Located in one of the three hot-spot regions of the RYR2 gene, where the majority of pathogenic missense variants occur (PMID: 19926015); This variant is associated with the following publications: (PMID: 19926015)

Fulgent Genetics
Classification: Uncertain significance for Ventricular arrhythmias due to cardiac ryanodine receptor calcium release deficiency syndrome; Catecholaminergic polymorphic ventricular tachycardia 1. Last evaluated: 2024-05-01. Review status: criteria provided, single submitter. Criteria: ACMG Guidelines, 2015. Collection method: clinical testing. Allele origin: germline.